The following is an entry in ClinVar:

ClinVar aggregate classification (germline): Uncertain significance (1 of 4 stars; one submission).

Conditions:
Long QT syndrome (LQTS). Identifiers: MedGen C0023976, MeSH D008133, MONDO:0002442. Disease mechanism: loss of function. Inheritance: Various modes of inheritance.

gnomAD v4.1: 4 of 1,614,122 alleles (0.00025%); highest among the groups gnomAD compares: Non-Finnish European, 0.00034%; no homozygotes.

Submission:

Labcorp Genetics (formerly Invitae), Labcorp
Classification: Uncertain significance for Long QT syndrome. Last evaluated: 2022-03-09. Review status: criteria provided, single submitter. Criteria: Invitae Variant Classification Sherloc (09022015). Collection method: clinical testing. Allele origin: germline.
Comment: ClinVar contains an entry for this variant (Variation ID: 651219). This variant has not been reported in the literature in individuals affected with ANK2-related conditions. This variant is not present in population databases (gnomAD no frequency). This sequence change replaces histidine, which is basic and polar, with proline, which is neutral and non-polar, at codon 3466 of the ANK2 protein (p.His3466Pro). Algorithms developed to predict the effect of missense changes on protein structure and function are either unavailable or do not agree on the potential impact of this missense change (SIFT: "Tolerated"; PolyPhen-2: "Probably Damaging"; Align-GVGD: "Class C0"). In summary, the available evidence is currently insufficient to determine the role of this variant in disease. Therefore, it has been classified as a Variant of Uncertain Significance.

NM_001148.6(ANK2):c.10397A>C (p.His3466Pro)

Gene: ANK2 (ankyrin 2; plus strand). Cytogenetic location: 4q26.
Variant type: single nucleotide variant.
Coding change: c.10397A>C on transcript NM_001148.6 (MANE Select); coding-DNA position 10397, A replaced by C.
Protein change: p.His3466Pro; replaces histidine 3466 with proline.
Molecular consequence: missense variant. On other transcripts: intron variant (68).
Genome position (GRCh38, 1-based): chr4:113,359,015, A>C. VCF-style: chr4-113359015-A-C. GRCh37 (hg19) VCF-style: chr4-114280171-A-C.
Other names: c.10163A>C, p.His3388Pro (NM_001386142.1); c.6797A>C, p.His2266Pro (NM_001386166.1); c.10538A>C, p.His3513Pro (NM_001386174.1); c.10514A>C, p.His3505Pro (NM_001386175.1); c.4412-1808A>C (NM_001386186.2, NM_001386148.2); c.4214-1808A>C (NM_001354269.3); c.4292-1808A>C (NM_001386187.2); c.4253-1808A>C (NM_001386147.1); and 35 more; short protein forms H3466P, H2266P, H3388P, H3505P, H3513P.
Identifiers: ClinVar variation 651219 (VCV000651219.5), dbSNP rs1589060809, ClinGen allele CA357940318.